The following is an entry in ClinVar:

NM_000094.4(COL7A1):c.2308_2314+1del

Gene: COL7A1 (collagen type VII alpha 1 chain; minus strand). Cytogenetic location: 3p21.31.
Variant type: Deletion.
Coding change: c.2308_2314+1del on transcript NM_000094.4 (MANE Select); coding-DNA position 2308 through the canonical splice donor site of the intron after coding-DNA position 2314, 8 bases deleted (AGGACTGG; older notation c.2308_2314+1delAGGACTGG).
Molecular consequence: splice donor variant.
Genome position (GRCh38, 1-based): chr3:48,589,326-48,589,333, CCAGTCCT deleted on the plus strand (AGGACTGG on the coding strand, the reverse complement: COL7A1 is on the minus strand); deleting any 8 consecutive bases within chr3:48,589,326-48,589,334 gives the same sequence; the c. name uses the placement nearest the transcript's 3' end. VCF-style (leftmost placement, unchanged base first): chr3-48589325-ACCAGTCCT-A. GRCh37 (hg19) VCF-style: chr3-48626758-ACCAGTCCT-A.
Other names: c.2308_2314+1delAGGACTGG (NM_000094.4).
Identifiers: ClinVar variation 3366776 (VCV003366776.1).

ClinVar aggregate classification (germline): Likely pathogenic (1 of 4 stars; one submission).

Conditions:
Recessive dystrophic epidermolysis bullosa (RDEB). Also called: DYSTROPHIC EPIDERMOLYSIS BULLOSA, AUTOSOMAL RECESSIVE; EPIDERMOLYSIS BULLOSA DYSTROPHICA, HALLOPEAU-SIEMENS TYPE; Hallopeau-Siemens Disease; EPIDERMOLYSIS BULLOSA DYSTROPHICA, GENERALIZED SEVERE, AUTOSOMAL RECESSIVE; epidermolysis bullosa dystrophica, autosomal recessive; Recessive DEB (RDEB). Identifiers: Orphanet 79408, Orphanet 79409, MedGen C0079474, MONDO:0009179, OMIM 226600.

Submission:

Women's Health and Genetics/Laboratory Corporation of America, LabCorp
Classification: Likely pathogenic for Dystrophic Epidermolysis Bullosa, Recessive. Last evaluated: 2024-08-15. Review status: criteria provided, single submitter. Criteria: LabCorp Variant Classification Summary - May 2015. Collection method: clinical testing. Allele origin: germline.
Comment: Variant summary: COL7A1 c.2308_2314+1delAGGACTGG disrupts a canonical splice-site and is predicted to affect mRNA splicing resulting in a significantly altered protein due to either exon skipping, shortening, or inclusion of intronic material. Variants that disrupt the consensus splice site are a relatively common cause of aberrant splicing and loss of COL7A1 function. Several computational tools predict a significant impact on normal splicing: Four predict the variant abolishes a 5' splicing donor site. Two predict the variant creates a 5' donor site. However, these predictions have yet to be confirmed by functional studies. The variant allele was found at a frequency of 4e-06 in 249348 control chromosomes. To our knowledge, no occurrence of c.2308_2314+1delAGGACTGG in individuals affected with Dystrophic Epidermolysis Bullosa, Recessive and no experimental evidence demonstrating its impact on protein function have been reported. No submitters have cited clinical-significance assessments for this variant to ClinVar. Based on the evidence outlined above, the variant was classified as likely pathogenic.